The following is an entry in ClinVar:

NM_020207.7(ERCC6L2):c.2092A>G (p.Ile698Val)

Gene: ERCC6L2 (ERCC excision repair 6 like 2; plus strand). Cytogenetic location: 9q22.32.
Variant type: single nucleotide variant.
Coding change: c.2092A>G on transcript NM_020207.7 (MANE Select); coding-DNA position 2092, A replaced by G.
Protein change: p.Ile698Val; replaces isoleucine 698 with valine.
Molecular consequence: missense variant. On other transcripts: non-coding transcript variant (1).
Genome position (GRCh38, 1-based): chr9:95,966,706, A>G. VCF-style: chr9-95966706-A-G. GRCh37 (hg19) VCF-style: chr9-98728988-A-G.
Other names: c.2092A>G, p.Ile698Val (NM_001010895.4, NM_001375291.1, NM_001375292.1 and 2 more transcripts); short protein forms I698V.
Identifiers: ClinVar variation 4019406 (VCV004019406.1).

ClinVar aggregate classification (germline): Uncertain significance (1 of 4 stars; one submission).

Conditions:
Inborn genetic diseases. Identifiers: MedGen C0950123, MeSH D030342.

Submission:

Ambry Genetics
Classification: Uncertain significance for Inborn genetic diseases. Last evaluated: 2025-06-12. Review status: criteria provided, single submitter. Criteria: Ambry Variant Classification Scheme 2023. Collection method: clinical testing. Allele origin: germline.
Comment: The p.I698V variant (also known as c.2092A>G), located in coding exon 14 of the ERCC6L2 gene, results from an A to G substitution at nucleotide position 2092. The isoleucine at codon 698 is replaced by valine, an amino acid with highly similar properties. This amino acid position is conserved. In addition, the in silico prediction for this alteration is inconclusive. Based on the available evidence, the clinical significance of this variant remains unclear.